The following is an entry in ClinVar:

ClinVar aggregate classification (germline): Uncertain significance. Review status: criteria provided, multiple submitters, no conflicts (2 of 4 stars). 2 submissions from 2 submitters: Uncertain significance (2). Last evaluated 2026-08-20.

Allele frequency attached by ClinVar (database versions not stated): gnomAD 0.00006 and 0.00005; TOPMed 0.00006; gnomAD exomes 0.00014 and 0.00003; ExAC 0.00004.
gnomAD v4.1: 214 of 1,613,718 alleles (0.013%); highest among the groups gnomAD compares: Non-Finnish European, 0.018%; no homozygotes.

Submissions (2):

GeneDx
Classification: Uncertain significance. Last evaluated: 2026-08-20. Review status: criteria provided, single submitter. Criteria: GeneDx Variant Classification Process June 2021. Collection method: clinical testing. Allele origin: germline.
Comment: In silico analysis supports that this missense variant has a deleterious effect on protein structure/function; Has not been previously published as pathogenic or benign to our knowledge

Eurofins Ntd Llc (ga)
Classification: Uncertain significance. Last evaluated: 2018-05-14. Review status: criteria provided, single submitter. Criteria: EGL ClinVar v180209 classification definitions. Collection method: clinical testing. Allele origin: germline. Observed: 1 variant allele, 1 heterozygote.

NM_144991.3(TSPEAR):c.583G>A (p.Gly195Arg)

Gene: TSPEAR (thrombospondin type laminin G domain and EAR repeats; minus strand). Cytogenetic location: 21q22.3.
Variant type: single nucleotide variant.
Coding change: c.583G>A on transcript NM_144991.3 (MANE Select); coding-DNA position 583, G replaced by A.
Protein change: p.Gly195Arg; replaces glycine 195 with arginine.
Molecular consequence: missense variant.
Genome position (GRCh38, 1-based): chr21:44,531,093, C>T on the plus strand (G>A on the coding strand, the complement: TSPEAR is on the minus strand). VCF-style: chr21-44531093-C-T. GRCh37 (hg19) VCF-style: chr21-45950976-C-T.
Other names: c.379G>A, p.Gly127Arg (NM_001272037.2); c.583G>A (NM_144991.2); short protein forms G195R, G127R.
Identifiers: ClinVar variation 597017 (VCV000597017.7), dbSNP rs781987601, ClinGen allele CA10056952.